The following is an entry in ClinVar:

ClinVar aggregate classification (germline): Benign. Review status: criteria provided, multiple submitters, no conflicts (2 of 4 stars). 3 submissions from 3 submitters: Benign (3). Last evaluated 2024-01-24.

Allele frequency attached by ClinVar (database versions not stated): ESP Exome Variant Server 0.12406; TOPMed 0.16069; gnomAD 0.14769; 1000 Genomes Project 30x 0.21268; 1000 Genomes Project 0.21346.
gnomAD v4.1: 84,962 of 669,516 alleles (13%); highest among the groups gnomAD compares: East Asian, 31%; 6,757 homozygotes.

Submissions (3):

Unidad de Genómica Garrahan, Hospital de Pediatría Garrahan
Classification: Benign. Last evaluated: 2024-01-24. Review status: criteria provided, single submitter. Criteria: ACMG Guidelines, 2015. Collection method: clinical testing. Allele origin: germline. Affected: no. Observed: 35 variant alleles.
Comment: This variant is classified as Benign based on local population frequency. This variant was detected in 37% of patients studied by a panel of primary immunodeficiencies. Number of patients: 35. Only high quality variants are reported.

GeneDx
Classification: Benign. Last evaluated: 2018-06-26. Review status: criteria provided, single submitter. Criteria: GeneDx Variant Classification Process June 2021. Collection method: clinical testing. Allele origin: germline. Affected: yes.

Breakthrough Genomics
Classification: Benign. Review status: criteria provided, single submitter. Criteria: ACMG Guidelines, 2015. Collection method: not provided. Allele origin: germline. Inheritance: Autosomal dominant inheritance. Affected: yes.

NM_013254.4(TBK1):c.1190-70T>C

Gene: TBK1 (TANK binding kinase 1; plus strand). Cytogenetic location: 12q14.2.
Variant type: single nucleotide variant.
Coding change: c.1190-70T>C on transcript NM_013254.4 (MANE Select); 70 bases into the intron before coding-DNA position 1190, T replaced by C.
Molecular consequence: intron variant.
Genome position (GRCh38, 1-based): chr12:64,485,385, T>C. VCF-style: chr12-64485385-T-C. GRCh37 (hg19) VCF-style: chr12-64879165-T-C.
Identifiers: ClinVar variation 1277328 (VCV001277328.4), dbSNP rs11175411, ClinGen allele CA16447239.